The following is an entry in ClinVar:

ClinVar aggregate classification (germline): Uncertain significance. Review status: criteria provided, multiple submitters, no conflicts (2 of 4 stars). 2 submissions from 2 submitters: Uncertain significance (2). Last evaluated 2025-05-01.

Conditions:
Inborn genetic diseases. Identifiers: MedGen C0950123, MeSH D030342.

Allele frequency attached by ClinVar (database versions not stated): ExAC 0.00001; TOPMed 0.00001; gnomAD exomes 0.00002 and 0.00001.
gnomAD v4.1: 13 of 1,614,100 alleles (0.00081%); highest among the groups gnomAD compares: East Asian, 0.0022%; no homozygotes.

Submissions (2):

Ambry Genetics
Classification: Uncertain significance for Inborn genetic diseases. Last evaluated: 2025-05-01. Review status: criteria provided, single submitter. Criteria: Ambry Variant Classification Scheme 2023. Collection method: clinical testing. Allele origin: germline.

Labcorp Genetics (formerly Invitae), Labcorp
Classification: Uncertain significance. Last evaluated: 2021-09-01. Review status: criteria provided, single submitter. Criteria: Invitae Variant Classification Sherloc (09022015). Collection method: clinical testing. Allele origin: germline.
Comment: This sequence change replaces arginine with glutamine at codon 618 of the COL9A1 protein (p.Arg618Gln). The arginine residue is highly conserved and there is a small physicochemical difference between arginine and glutamine. This variant is present in population databases (rs761249181, ExAC 0.001%). This variant has not been reported in the literature in individuals affected with COL9A1-related conditions. Algorithms developed to predict the effect of missense changes on protein structure and function are either unavailable or do not agree on the potential impact of this missense change (SIFT: "Tolerated"; PolyPhen-2: "Probably Damaging"; Align-GVGD: "Class C0"). In summary, the available evidence is currently insufficient to determine the role of this variant in disease. Therefore, it has been classified as a Variant of Uncertain Significance.

NM_001851.6(COL9A1):c.1853G>A (p.Arg618Gln)

Gene: COL9A1 (collagen type IX alpha 1 chain; minus strand). Cytogenetic location: 6q13.
Variant type: single nucleotide variant.
Coding change: c.1853G>A on transcript NM_001851.6 (MANE Select); coding-DNA position 1853, G replaced by A.
Protein change: p.Arg618Gln; replaces arginine 618 with glutamine.
Molecular consequence: missense variant. On other transcripts: non-coding transcript variant (1).
Genome position (GRCh38, 1-based): chr6:70,252,139, C>T on the plus strand (G>A on the coding strand, the complement: COL9A1 is on the minus strand). VCF-style: chr6-70252139-C-T. GRCh37 (hg19) VCF-style: chr6-70961842-C-T.
Other names: c.1154G>A, p.Arg385Gln (NM_001377289.1); c.1124G>A, p.Arg375Gln (NM_001377290.1, NM_078485.4); c.1853G>A (NM_001851.4); short protein forms R375Q, R385Q, R618Q.
Identifiers: ClinVar variation 1061549 (VCV001061549.7), dbSNP rs761249181, ClinGen allele CA3881979.
Genomic context (GRCh38, chr6:70,252,139, plus strand): 5'-CTGAGAAGGTGCTTTAGGAAAGAACAGCAAGGAATACTCACAGGAAGCCCCTGGGGTCCT[C>T]GGGGTCCCACCTCTCCTGGAGGCCCCTGTTGGCCCTGTTATCAGGAAGGAAGGTAGAAAA-3'
Protein context (NP_001842.3, residues 608-628): QQGPPGEVGP[Arg618Gln]GPQGLPGSRG